The following is an entry in ClinVar:

NM_205836.3(FBXO38):c.481C>T (p.His161Tyr)

Gene: FBXO38 (F-box protein 38; plus strand). Cytogenetic location: 5q32.
Variant type: single nucleotide variant.
Coding change: c.481C>T on transcript NM_205836.3 (MANE Select); coding-DNA position 481, C replaced by T.
Protein change: p.His161Tyr; replaces histidine 161 with tyrosine.
Molecular consequence: missense variant.
Genome position (GRCh38, 1-based): chr5:148,402,402, C>T. VCF-style: chr5-148402402-C-T. GRCh37 (hg19) VCF-style: chr5-147781965-C-T.
Other names: c.481C>T, p.His161Tyr (NM_001271723.2, NM_030793.5); short protein forms H161Y.
Identifiers: ClinVar variation 2075679 (VCV002075679.4), dbSNP rs1244178138, ClinGen allele CA361655137.

ClinVar aggregate classification (germline): Uncertain significance (1 of 4 stars; one submission).

Conditions:
Distal hereditary motor neuropathy type 2. Identifiers: Orphanet 139525, MedGen C3711384, MeSH C580044, MONDO:0015352.

Allele frequency attached by ClinVar (database versions not stated): gnomAD 0.00001; gnomAD exomes 0.00001; TOPMed 0.00002.
gnomAD v4.1: 11 of 1,613,000 alleles (0.00068%); highest among the groups gnomAD compares: Non-Finnish European, 0.00093%; no homozygotes.

Submission:

Labcorp Genetics (formerly Invitae), Labcorp
Classification: Uncertain significance for Distal hereditary motor neuropathy type 2. Last evaluated: 2024-10-12. Review status: criteria provided, single submitter. Criteria: Invitae Variant Classification Sherloc (09022015). Collection method: clinical testing. Allele origin: germline.
Comment: This sequence change replaces histidine, which is basic and polar, with tyrosine, which is neutral and polar, at codon 161 of the FBXO38 protein (p.His161Tyr). This variant is present in population databases (no rsID available, gnomAD 0.0009%). This variant has not been reported in the literature in individuals affected with FBXO38-related conditions. ClinVar contains an entry for this variant (Variation ID: 2075679). Invitae Evidence Modeling of protein sequence and biophysical properties (such as structural, functional, and spatial information, amino acid conservation, physicochemical variation, residue mobility, and thermodynamic stability) indicates that this missense variant is not expected to disrupt FBXO38 protein function with a negative predictive value of 80%. In summary, the available evidence is currently insufficient to determine the role of this variant in disease. Therefore, it has been classified as a Variant of Uncertain Significance.